The following is an entry in ClinVar:

ClinVar aggregate classification (germline): Uncertain significance. Review status: criteria provided, multiple submitters, no conflicts (2 of 4 stars). 3 submissions from 3 submitters: Uncertain significance (3). Last evaluated 2025-12-08.

Conditions:
Breast-ovarian cancer, familial, susceptibility to, 4. Identifiers: Orphanet 145, MedGen C3280345, MONDO:0013669, OMIM 614291.
Hereditary cancer-predisposing syndrome. Also called: Neoplastic Syndromes, Hereditary; Tumor predisposition; Hereditary Cancer Syndrome; Hereditary neoplastic syndrome. Identifiers: Orphanet 140162, MedGen C0027672, MeSH D009386, MONDO:0015356.

gnomAD v4.1: 1 of 1,614,142 alleles (0.000062%); no homozygotes.

Submissions (3):

Color Diagnostics, LLC DBA Color Health
Classification: Uncertain significance for Hereditary cancer-predisposing syndrome. Last evaluated: 2025-12-08. Review status: criteria provided, single submitter. Criteria: ACMG Guidelines, 2015. Collection method: clinical testing. Allele origin: germline.
Comment: This missense variant replaces threonine with serine at codon 142 of the RAD51D protein. Computational prediction suggests that this variant may not impact protein structure and function. To our knowledge, functional studies have not been reported for this variant. This variant has not been reported in individuals affected with RAD51D-related disorders in the literature. This variant has been identified in 1/1614142 chromosomes in the general population by the Genome Aggregation Database (gnomAD). The available evidence is insufficient to determine the role of this variant in disease conclusively. Therefore, this variant is classified as a Variant of Uncertain Significance.

Labcorp Genetics (formerly Invitae), Labcorp
Classification: Uncertain significance for Breast-ovarian cancer, familial, susceptibility to, 4. Last evaluated: 2022-02-02. Review status: criteria provided, single submitter. Criteria: Invitae Variant Classification Sherloc (09022015). Collection method: clinical testing. Allele origin: germline.
Comment: In summary, the available evidence is currently insufficient to determine the role of this variant in disease. Therefore, it has been classified as a Variant of Uncertain Significance. Algorithms developed to predict the effect of missense changes on protein structure and function (SIFT, PolyPhen-2, Align-GVGD) all suggest that this variant is likely to be tolerated. ClinVar contains an entry for this variant (Variation ID: 652651). This variant has not been reported in the literature in individuals affected with RAD51D-related conditions. This variant is not present in population databases (gnomAD no frequency). This sequence change replaces threonine, which is neutral and polar, with serine, which is neutral and polar, at codon 142 of the RAD51D protein (p.Thr142Ser).

Ambry Genetics
Classification: Uncertain significance for Hereditary cancer-predisposing syndrome. Last evaluated: 2021-05-09. Review status: criteria provided, single submitter. Criteria: Ambry Variant Classification Scheme 2023. Collection method: clinical testing. Allele origin: germline.
Comment: The p.T142S variant (also known as c.424A>T), located in coding exon 5 of the RAD51D gene, results from an A to T substitution at nucleotide position 424. The threonine at codon 142 is replaced by serine, an amino acid with similar properties. This amino acid position is well conserved in available vertebrate species. In addition, the in silico prediction for this alteration is inconclusive. Since supporting evidence is limited at this time, the clinical significance of this alteration remains unclear.

NM_002878.4(RAD51D):c.424A>T (p.Thr142Ser)

Genes: RAD51L3-RFFL (RAD51L3-RFFL readthrough; minus strand), RAD51D (RAD51 paralog D; minus strand). Cytogenetic location: 17q12.
Variant type: single nucleotide variant.
Coding change: c.424A>T on transcript NM_002878.4 (MANE Select); coding-DNA position 424, A replaced by T.
Protein change: p.Thr142Ser; replaces threonine 142 with serine.
Molecular consequence: missense variant. On other transcripts: non-coding transcript variant (1), intron variant (1).
Genome position (GRCh38, 1-based): chr17:35,107,044, T>A on the plus strand (A>T on the coding strand, the complement: RAD51D is on the minus strand). VCF-style: chr17-35107044-T-A. GRCh37 (hg19) VCF-style: chr17-33434063-T-A.
Other names: c.484A>T, p.Thr162Ser (NM_001142571.2); c.145-563A>T (NM_133629.3); short protein forms T162S, T142S.
Identifiers: ClinVar variation 652651 (VCV000652651.10), dbSNP rs1597862615, ClinGen allele CA399089253.
Genomic context (GRCh38, chr17:35,107,044, plus strand): 5'-TTACCTGTTCCTCCTCATCCTGGGTTTTAGCCTGAAGCAGCTGGAGGAGGCGGGAAGCTG[T>A]CAGCCCTCCATTGGAATCTACATATAGGACGTTTTGCTGCAGGCCATGGGCCACATTTGC-3'
Protein context (NP_002869.3, residues 132-152): VLYVDSNGGL[Thr142Ser]ASRLLQLLQA